The following is an entry in ClinVar:

NM_004329.3(BMPR1A):c.530+15_530+33del

Gene: BMPR1A (bone morphogenetic protein receptor type 1A; plus strand). Cytogenetic location: 10q23.2.
Variant type: Deletion.
Coding change: c.530+15_530+33del on transcript NM_004329.3 (MANE Select); bases 15 to 33 of the intron after coding-DNA position 530, 19 bases deleted (ATTTTGAAGCAAAATATTT).
Molecular consequence: intron variant.
Genome position (GRCh38, 1-based): chr10:86,900,141-86,900,159, ATTTTGAAGCAAAATATTT deleted; deleting any 19 consecutive bases within chr10:86,900,135-86,900,159 gives the same sequence; the c. name uses the placement nearest the transcript's 3' end. VCF-style (leftmost placement, unchanged base first): chr10-86900134-GATATTTATTTTGAAGCAAA-G. GRCh37 (hg19) VCF-style: chr10-88659891-GATATTTATTTTGAAGCAAA-G.
Identifiers: ClinVar variation 1003303 (VCV001003303.9), dbSNP rs1843289071, ClinGen allele CA1925715462.

ClinVar aggregate classification (germline): Uncertain significance (1 of 4 stars; one submission).

Conditions:
Juvenile polyposis syndrome (JPS). Identifiers: Orphanet 2929, MedGen C0345893, MONDO:0017380, OMIM 174900.

Submission:

Labcorp Genetics (formerly Invitae), Labcorp
Classification: Uncertain significance for Juvenile polyposis syndrome. Last evaluated: 2020-08-20. Review status: criteria provided, single submitter. Criteria: Invitae Variant Classification Sherloc (09022015). Collection method: clinical testing. Allele origin: germline.
Comment: In summary, the available evidence is currently insufficient to determine the role of this variant in disease. Therefore, it has been classified as a Variant of Uncertain Significance. Algorithms developed to predict the effect of sequence changes on RNA splicing suggest that this variant is not likely to affect RNA splicing, but this prediction has not been confirmed by published transcriptional studies. This variant has not been reported in the literature in individuals with BMPR1A-related conditions. This variant is not present in population databases (ExAC no frequency). This sequence change falls in intron 7 of the BMPR1A gene. It does not directly change the encoded amino acid sequence of the BMPR1A protein, but it affects a nucleotide within the consensus splice site of the intron.